The following is an entry in ClinVar:

ClinVar aggregate classification (germline): Likely benign (1 of 4 stars; one submission).

Allele frequency attached by ClinVar (database versions not stated): gnomAD 0.00001 and 0.00005; TOPMed 0.00002; gnomAD exomes 0.00012 and 0.00020; ExAC 0.00026.
gnomAD v4.1: 169 of 1,546,076 alleles (0.011%); highest among the groups gnomAD compares: South Asian, 0.18%; 1 homozygote.

Submission:

GeneDx
Classification: Likely benign. Last evaluated: 2021-11-04. Review status: criteria provided, single submitter. Criteria: GeneDx Variant Classification Process June 2021. Collection method: clinical testing. Allele origin: germline. Affected: yes.
Comment: See Variant Classification Assertion Criteria.

NM_002906.4(RDX):c.796-39C>G

Gene: RDX (radixin; minus strand). Cytogenetic location: 11q22.3.
Variant type: single nucleotide variant.
Coding change: c.796-39C>G on transcript NM_002906.4 (MANE Select); 39 bases into the intron before coding-DNA position 796, C replaced by G.
Molecular consequence: intron variant.
Genome position (GRCh38, 1-based): chr11:110,254,148, G>C on the plus strand (C>G on the coding strand, the complement: RDX is on the minus strand). VCF-style: chr11-110254148-G-C. GRCh37 (hg19) VCF-style: chr11-110124873-G-C.
Other names: c.796-39C>G (NM_001260493.2, NM_001260492.2); c.-82-6315C>G (NM_001260495.2); c.404+4009C>G (NM_001260496.2); c.388-39C>G (NM_001260494.2).
Identifiers: ClinVar variation 1683958 (VCV001683958.2), dbSNP rs757368243, ClinGen allele CA6270209.